The following is an entry in ClinVar:

ClinVar aggregate classification (germline): Uncertain significance (1 of 4 stars; one submission).

Conditions:
Familial temporal lobe epilepsy 7. Identifiers: Orphanet 101046, MedGen C4225327, MONDO:0014639, OMIM 616436.
Norman-Roberts syndrome (LIS2). Also called: Lissencephaly 2 (Norman-Roberts type). Identifiers: Orphanet 89844, MedGen C0796089, MONDO:0009760, OMIM 257320.

Allele frequency attached by ClinVar (database versions not stated): gnomAD exomes below 0.00001; gnomAD 0.00001; TOPMed 0.00001.
gnomAD v4.1: 3 of 1,613,246 alleles (0.00019%); highest among the groups gnomAD compares: Non-Finnish European, 0.00025%; no homozygotes.

Submission:

Labcorp Genetics (formerly Invitae), Labcorp
Classification: Uncertain significance for Familial temporal lobe epilepsy 7; Norman-Roberts syndrome. Last evaluated: 2023-03-30. Review status: criteria provided, single submitter. Criteria: Invitae Variant Classification Sherloc (09022015). Collection method: clinical testing. Allele origin: germline.
Comment: In summary, the available evidence is currently insufficient to determine the role of this variant in disease. Therefore, it has been classified as a Variant of Uncertain Significance. Advanced modeling of protein sequence and biophysical properties (such as structural, functional, and spatial information, amino acid conservation, physicochemical variation, residue mobility, and thermodynamic stability) performed at Invitae indicates that this missense variant is not expected to disrupt RELN protein function. ClinVar contains an entry for this variant (Variation ID: 1435879). This variant has not been reported in the literature in individuals affected with RELN-related conditions. This variant is present in population databases (no rsID available, gnomAD 0.007%). This sequence change replaces leucine, which is neutral and non-polar, with phenylalanine, which is neutral and non-polar, at codon 434 of the RELN protein (p.Leu434Phe).

NM_005045.4(RELN):c.1302G>C (p.Leu434Phe)

Genes: RELN (reelin; minus strand), LOC126860131 (MED14-independent group 3 enhancer GRCh37_chr7:103301048-103302247; plus strand). Cytogenetic location: 7q22.1.
Variant type: single nucleotide variant.
Coding change: c.1302G>C on transcript NM_005045.4 (MANE Select); coding-DNA position 1302, G replaced by C.
Protein change: p.Leu434Phe; replaces leucine 434 with phenylalanine.
Molecular consequence: missense variant.
Genome position (GRCh38, 1-based): chr7:103,661,515, C>G on the plus strand (G>C on the coding strand, the complement: RELN is on the minus strand). VCF-style: chr7-103661515-C-G. GRCh37 (hg19) VCF-style: chr7-103301962-C-G.
Other names: c.1302G>C, p.Leu434Phe (NM_173054.3); short protein forms L434F.
Identifiers: ClinVar variation 1435879 (VCV001435879.8), dbSNP rs1338264030, ClinGen allele CA368768302.